The following is an entry in ClinVar:

NM_001252024.2(TRPM1):c.279+184T>C

Gene: TRPM1 (transient receptor potential cation channel subfamily M member 1; minus strand). Cytogenetic location: 15q13.3.
Variant type: single nucleotide variant.
Coding change: c.279+184T>C on transcript NM_001252024.2 (MANE Select); 184 bases into the intron after coding-DNA position 279, T replaced by C.
Molecular consequence: intron variant. On other transcripts: missense variant (1).
Genome position (GRCh38, 1-based): chr15:31,069,847, A>G on the plus strand (T>C on the coding strand, the complement: TRPM1 is on the minus strand). VCF-style: chr15-31069847-A-G. GRCh37 (hg19) VCF-style: chr15-31362050-A-G.
Other names: c.397T>C (NM_001252030.1); c.397T>C, p.Trp133Arg (NM_001252030.2); c.330+184T>C (NM_001252020.2); c.213+184T>C (NM_002420.6); short protein forms W133R.
Identifiers: ClinVar variation 4923920 (VCV004923920.2).

ClinVar aggregate classification (germline): Conflicting classifications of pathogenicity. Review status: criteria provided, conflicting classifications (1 of 4 stars). 2 submissions from 2 submitters: Uncertain significance (1); Likely benign (1). Last evaluated 2026-09-15.

Conditions:
TRPM1-related disorder. Also called: TRPM1-related condition.

gnomAD v4.1: 50 of 1,555,900 alleles (0.0032%); highest among the groups gnomAD compares: Admixed American, 0.086%; 1 homozygote.

Submissions (2):

PreventionGenetics, part of Exact Sciences
Classification: Uncertain significance for TRPM1-related condition. Last evaluated: 2026-09-15. Review status: criteria provided, single submitter. Criteria: ACMG Guidelines, 2015. Collection method: clinical testing. Allele origin: germline.
Comment: The TRPM1 c.397T>C variant is predicted to result in the amino acid substitution p.Trp133Arg. To our knowledge, this variant has not been reported in the literature. This variant is reported in 0.14% of alleles in individuals of Latino descent in gnomAD, which may be too frequent to be a primary cause of disease. Although we suspect that this variant may be benign, at this time, the clinical significance of this variant is uncertain due to the absence of conclusive functional and genetic evidence.

Blueprint Genetics
Classification: Likely benign. Last evaluated: 2022-08-26. Review status: criteria provided, single submitter. Criteria: ACMG Guidelines, 2015. Collection method: clinical testing. Allele origin: germline.